The following is an entry in ClinVar:

NM_001035.3(RYR2):c.9738G>A (p.Met3246Ile)

Gene: RYR2 (ryanodine receptor 2; plus strand). Cytogenetic location: 1q43.
Variant type: single nucleotide variant.
Coding change: c.9738G>A on transcript NM_001035.3 (MANE Select); coding-DNA position 9738, G replaced by A.
Protein change: p.Met3246Ile; replaces methionine 3246 with isoleucine.
Molecular consequence: missense variant.
Genome position (GRCh38, 1-based): chr1:237,707,106, G>A. VCF-style: chr1-237707106-G-A. GRCh37 (hg19) VCF-style: chr1-237870406-G-A.
Other names: c.9738G>A (NM_001035.2); short protein forms M3246I.
Identifiers: ClinVar variation 926684 (VCV000926684.12), dbSNP rs771846177, ClinGen allele CA087950.

ClinVar aggregate classification (germline): Conflicting classifications of pathogenicity. Review status: criteria provided, conflicting classifications (1 of 4 stars). 4 submissions from 4 submitters: Uncertain significance (2); Likely benign (2). Last evaluated 2025-12-18.

Conditions:
Cardiovascular phenotype. Identifiers: MedGen CN230736.
Cardiomyopathy (CMYO). Also called: Cardiomyopathies. Identifiers: Orphanet 167848, MedGen C0878544, MONDO:0004994, HP:0001638. Inheritance: Various modes of inheritance.
Catecholaminergic polymorphic ventricular tachycardia 1. Also called: VENTRICULAR TACHYCARDIA, STRESS-INDUCED POLYMORPHIC 1; VENTRICULAR TACHYCARDIA, CATECHOLAMINERGIC POLYMORPHIC, 1, WITH OR WITHOUT ATRIAL DYSFUNCTION AND/OR DILATED CARDIOMYOPATHY; RYR2-Related Catecholaminergic Polymorphic Ventricular Tachycardia. Identifiers: Orphanet 3286, MedGen C1631597, MONDO:0011484, OMIM 604772.
Catecholaminergic polymorphic ventricular tachycardia (CVPT). Also called: Catecholamine-induced polymorphic ventricular tachycardia. Identifiers: Orphanet 3286, MedGen C5574922, MONDO:0017990.

Allele frequency attached by ClinVar (database versions not stated): gnomAD exomes below 0.00001 and 0.00002; TOPMed below 0.00001; ExAC 0.00001.
gnomAD v4.1: 6 of 1,613,954 alleles (0.00037%); highest among the groups gnomAD compares: East Asian, 0.013%; no homozygotes.

Submissions (4):

Ambry Genetics
Classification: Uncertain significance for Cardiovascular phenotype. Last evaluated: 2025-12-18. Review status: criteria provided, single submitter. Criteria: Ambry Variant Classification Scheme 2023. Collection method: clinical testing. Allele origin: germline.
Comment: The p.M3246I variant (also known as c.9738G>A), located in coding exon 68 of the RYR2 gene, results from a G to A substitution at nucleotide position 9738. The methionine at codon 3246 is replaced by isoleucine, an amino acid with highly similar properties. This amino acid position is well conserved in available vertebrate species. In addition, the in silico prediction for this alteration is inconclusive. Based on the available evidence, the clinical significance of this variant remains unclear.

Color Diagnostics, LLC DBA Color Health
Classification: Likely benign for Cardiomyopathy. Last evaluated: 2025-06-20. Review status: criteria provided, single submitter. Criteria: ACMG Guidelines, 2015. Collection method: clinical testing. Allele origin: germline.

Labcorp Genetics (formerly Invitae), Labcorp
Classification: Likely benign for Catecholaminergic polymorphic ventricular tachycardia 1. Last evaluated: 2024-10-18. Review status: criteria provided, single submitter. Criteria: Invitae Variant Classification Sherloc (09022015). Collection method: clinical testing. Allele origin: germline.

All of Us Research Program, National Institutes of Health
Classification: Uncertain significance for Catecholaminergic polymorphic ventricular tachycardia. Last evaluated: 2024-03-24. Review status: criteria provided, single submitter. Criteria: ACMG Guidelines, 2015. Collection method: clinical testing. Allele origin: germline. Inheritance: Autosomal dominant inheritance. Observed: 4 variant alleles, 4 heterozygotes.
Comment: This missense variant replaces methionine with isoleucine at codon 3246 of the RYR2 protein. Computational prediction suggests that this variant may not impact protein structure and function (internally defined REVEL score threshold <= 0.5, PMID: 27666373). Splice site prediction tools suggest that this variant may not impact RNA splicing. To our knowledge, functional studies have not been performed for this variant. This variant has not been reported in individuals affected with cardiovascular disorders in the literature. This variant has been identified in 4/249012 chromosomes in the general population by the Genome Aggregation Database (gnomAD). The available evidence is insufficient to determine the role of this variant in disease conclusively. Therefore, this variant is classified as a Variant of Uncertain Significance.

This study involves interpretation of variants in research participants for the purpose of population health screening. Participant phenotype was not available at the time of variant classification. Additional details can be found in publication PMID: 35346344, PMCID: PMC8962531